The following is an entry in ClinVar:

ClinVar aggregate classification (germline): Uncertain significance. Review status: criteria provided, multiple submitters, no conflicts (2 of 4 stars). 5 submissions from 3 submitters: Uncertain significance (5). Last evaluated 2025-09-10.

Conditions:
Hypertrophic cardiomyopathy 2. Also called: TNNT2-Related Familial Hypertrophic Cardiomyopathy. Identifiers: MedGen C1861864, MONDO:0007266, OMIM 115195.
Cardiomyopathy (CMYO). Also called: Cardiomyopathies. Identifiers: Orphanet 167848, MedGen C0878544, MONDO:0004994, HP:0001638. Inheritance: Various modes of inheritance.
Dilated cardiomyopathy 1D. Identifiers: Orphanet 154, Orphanet 54260, MedGen C1832243, MONDO:0011095, OMIM 601494.
Cardiomyopathy, familial restrictive, 3. Identifiers: Orphanet 75249, MedGen C2676271, MONDO:0012900, OMIM 612422.

Submissions (5):

Color Diagnostics, LLC DBA Color Health
Classification: Uncertain significance for Cardiomyopathy. Last evaluated: 2025-09-10. Review status: criteria provided, single submitter. Criteria: ACMG Guidelines, 2015. Collection method: clinical testing. Allele origin: germline.
Comment: This variant causes a deletion of 1 amino acid at codon 176 in the TNNT2 protein. To our knowledge, functional studies have not been reported for this variant. This variant has been reported in an individual affected with hypertrophic cardiomyopathy, who also carried a pathogenic variant in the MYBPC3 gene that could explain the observed phenotype (PMID: 20624503). This variant has been identified in 1/31386 chromosomes in the general population by the Genome Aggregation Database (gnomAD). The available evidence is insufficient to determine the role of this variant in disease conclusively. Therefore, this variant is classified as a Variant of Uncertain Significance.

Genome-Nilou Lab
Classification: Uncertain significance for Dilated cardiomyopathy 1D. Last evaluated: 2023-04-11. Review status: criteria provided, single submitter. Criteria: ACMG Guidelines, 2015. Collection method: clinical testing. Allele origin: germline. Affected: no.

Genome-Nilou Lab
Classification: Uncertain significance for Cardiomyopathy, familial restrictive, 3. Last evaluated: 2023-04-11. Review status: criteria provided, single submitter. Criteria: ACMG Guidelines, 2015. Collection method: clinical testing. Allele origin: germline. Affected: no.

Genome-Nilou Lab
Classification: Uncertain significance for Hypertrophic cardiomyopathy 2. Last evaluated: 2023-04-11. Review status: criteria provided, single submitter. Criteria: ACMG Guidelines, 2015. Collection method: clinical testing. Allele origin: germline. Affected: no.

Victorian Clinical Genetics Services, Murdoch Childrens Research Institute
Classification: Uncertain significance for Hypertrophic cardiomyopathy 2. Last evaluated: 2021-05-06. Review status: criteria provided, single submitter. Criteria: ACMG Guidelines, 2015. Collection method: clinical testing. Allele origin: germline. Inheritance: Autosomal dominant inheritance. Affected: yes.
Comment: Based on the classification scheme VCGS_Germline_v1.3.3, this variant is classified as VUS-3A. Following criteria are met: 0103 - Loss and gain of function are reported mechanisms of disease in this gene and are associated with dilated cardiomyopathy 1D (DCM, MIM# 601494), hypertrophic cardiomyopathy 2 (MIM#115195) and familial restrictive cardiomyopathy 3 (MIM# 612422), respectively (PMIDs: 32098556, 33025817). (I) 0107 - This gene is associated with autosomal dominant disease. (I) 0115 - Variants in this gene are known to have variable expressivity. Variants in this gene have been reported to cause both HCM and DCM within a single family (PMID: 26507537). (I) 0213 - In-frame insertion/deletion in a non-repetitive region that has high conservation. (SP) 0251 - This variant is heterozygous. (I) 0302 - Variant is present in gnomAD (v2) <0.001 for a dominant condition (1 heterozygotes, 0 homozygotes). (SP) 0309 - Multiple alternative amino acid changes at the same position have been observed in gnomAD (v2 & v3: highest allele count: 2 heterozygotes, 0 homozygotes). (I) 0600 - Variant is located in the annotated troponin domain (NCBI). (I) 0710 - Other missense variants comparable to the one identified in this case have inconclusive previous evidence for pathogenicity. Missense variants affecting the lysine residues 184 to 186, p.(Lys186Thr), p.(Lys186Met), c.552G>C p.(Lys184Asn) and c.552G>T p.(Lys184Asn), have been reported as VUS (ClinVar). (I) 0809 - Previous evidence of pathogenicity for this variant is inconclusive. It has been reported as a VUS (ClinVar), and it has been identified in an individual with hypertrophic cardiomyopathy who also harboured a well-reported pathogenic IVS20-2A>G variant in MYBPC3 (PMID: 20624503). (I) 0905 - No published segregation evidence has been identified for this variant. (I) 1007 - No published functional evidence has been identified for this variant. (I) 1208 - Inheritance information for this variant is not currently available in this individual. (I) Legend: (SP) - Supporting pathogenic, (I) - Information, (SB) - Supporting benign

Literature cited by the submitters: PubMed 20624503 (cited by Color Diagnostics, LLC DBA Color Health and Victorian Clinical Genetics Services, Murdoch Childrens Research Institute); PubMed 26507537 (cited by Victorian Clinical Genetics Services, Murdoch Childrens Research Institute); PubMed 32098556 (cited by Victorian Clinical Genetics Services, Murdoch Childrens Research Institute); PubMed 33025817 (cited by Victorian Clinical Genetics Services, Murdoch Childrens Research Institute).

NM_001276345.2(TNNT2):c.550AAG[2] (p.Lys186del)

Gene: TNNT2 (troponin T2, cardiac type; minus strand). Cytogenetic location: 1q32.1.
Variant type: Microsatellite.
Coding change: c.550AAG[2] on transcript NM_001276345.2 (MANE Select); two copies in a row of the 3-base unit AAG starting at c.550; the reference has three copies in a row; one copy, 3 bases deleted.
Protein change: p.Lys186del; deletes lysine 186.
Molecular consequence: inframe deletion.
Genome position (GRCh38, 1-based): chr1:201,363,338-201,363,340, CTT deleted on the plus strand (AAG on the coding strand, the reverse complement: TNNT2 is on the minus strand); deleting any 3 consecutive bases within chr1:201,363,338-201,363,347 gives the same sequence; the position shown is the placement nearest the transcript's 3' end. VCF-style (leftmost placement, unchanged base first): chr1-201363337-CCTT-C. GRCh37 (hg19) VCF-style: chr1-201332465-CCTT-C.
Other names: c.550AAG[2], p.Lys186del (NM_000364.4); c.520AAG[2], p.Lys176del (NM_001001430.3, NM_001001431.3, NM_001276347.2); c.505AAG[2], p.Lys171del (NM_001001432.3); c.430AAG[2], p.Lys146del (NM_001276346.2); c.526_528del (NM_001001430.3); short protein forms K186del, K176del, K146del, K171del.
Identifiers: ClinVar variation 807897 (VCV000807897.19), dbSNP rs1558225172, ClinGen allele CA528091902.